The following is an entry in ClinVar:

ClinVar aggregate classification (germline): Uncertain significance. Review status: criteria provided, multiple submitters, no conflicts (2 of 4 stars). 3 submissions from 3 submitters: Uncertain significance (3). Last evaluated 2024-08-09.

Conditions:
Cranioectodermal dysplasia 1 (CED1). Also called: LEVIN SYNDROME I. Identifiers: Orphanet 1515, MedGen C0432235, MONDO:0021093, OMIM 218330.

Allele frequency attached by ClinVar (database versions not stated): ExAC 0.00019; gnomAD exomes 0.00021 and 0.00074; gnomAD 0.00035 and 0.00036; ESP Exome Variant Server 0.00077.
gnomAD v4.1: 1,167 of 1,613,908 alleles (0.072%); highest among the groups gnomAD compares: Non-Finnish European, 0.091%; no homozygotes.

Submissions (3):

Blueprint Genetics
Classification: Uncertain significance. Last evaluated: 2024-08-09. Review status: criteria provided, single submitter. Criteria: ACMG Guidelines, 2015. Collection method: clinical testing. Allele origin: germline.

Fulgent Genetics
Classification: Uncertain significance for Cranioectodermal dysplasia 1. Last evaluated: 2024-01-02. Review status: criteria provided, single submitter. Criteria: ACMG Guidelines, 2015. Collection method: clinical testing. Allele origin: germline.

Labcorp Genetics (formerly Invitae), Labcorp
Classification: Uncertain significance for Cranioectodermal dysplasia 1. Last evaluated: 2022-07-12. Review status: criteria provided, single submitter. Criteria: Invitae Variant Classification Sherloc (09022015). Collection method: clinical testing. Allele origin: germline.
Comment: This sequence change replaces asparagine, which is neutral and polar, with serine, which is neutral and polar, at codon 488 of the IFT122 protein (p.Asn488Ser). This variant is present in population databases (rs142655964, gnomAD 0.04%). This variant has not been reported in the literature in individuals affected with IFT122-related conditions. ClinVar contains an entry for this variant (Variation ID: 1495478). Algorithms developed to predict the effect of missense changes on protein structure and function (SIFT, PolyPhen-2, Align-GVGD) all suggest that this variant is likely to be tolerated. In summary, the available evidence is currently insufficient to determine the role of this variant in disease. Therefore, it has been classified as a Variant of Uncertain Significance.

NM_052989.3(IFT122):c.1310A>G (p.Asn437Ser)

Gene: IFT122 (intraflagellar transport 122; plus strand). Cytogenetic location: 3q21.3.
Variant type: single nucleotide variant.
Coding change: c.1310A>G on transcript NM_052989.3 (MANE Select); coding-DNA position 1310, A replaced by G.
Protein change: p.Asn437Ser; replaces asparagine 437 with serine.
Molecular consequence: missense variant.
Genome position (GRCh38, 1-based): chr3:129,478,178, A>G. VCF-style: chr3-129478178-A-G. GRCh37 (hg19) VCF-style: chr3-129197021-A-G.
Other names: c.1286A>G, p.Asn429Ser (NM_001280541.2); c.860A>G, p.Asn287Ser (NM_001280545.2); c.683A>G, p.Asn228Ser (NM_001280546.2); c.1133A>G, p.Asn378Ser (NM_018262.4); c.1463A>G, p.Asn488Ser (NM_052985.4); c.977A>G, p.Asn326Ser (NM_052990.3); short protein forms N287S, N326S, N437S, N228S, N378S, N429S, N488S.
Identifiers: ClinVar variation 1495478 (VCV001495478.8), dbSNP rs142655964, ClinGen allele CA2606123.